The following is an entry in ClinVar:

ClinVar aggregate classification (germline): Uncertain significance (1 of 4 stars; one submission).

gnomAD v4.1: 6 of 1,614,084 alleles (0.00037%); highest among the groups gnomAD compares: East Asian, 0.0067%; no homozygotes.

Submission:

Labcorp Genetics (formerly Invitae), Labcorp
Classification: Uncertain significance. Last evaluated: 2022-06-01. Review status: criteria provided, single submitter. Criteria: Invitae Variant Classification Sherloc (09022015). Collection method: clinical testing. Allele origin: germline.
Comment: In summary, the available evidence is currently insufficient to determine the role of this variant in disease. Therefore, it has been classified as a Variant of Uncertain Significance. Algorithms developed to predict the effect of missense changes on protein structure and function are either unavailable or do not agree on the potential impact of this missense change (SIFT: "Tolerated"; PolyPhen-2: "Possibly Damaging"; Align-GVGD: "Class C0"). This sequence change replaces tyrosine, which is neutral and polar, with serine, which is neutral and polar, at codon 387 of the REL protein (p.Tyr387Ser). This variant is present in population databases (no rsID available, gnomAD 0.0009%). This variant has not been reported in the literature in individuals affected with REL-related conditions.

NM_001291746.2(REL):c.1064A>C (p.Tyr355Ser)

Gene: REL (REL proto-oncogene, NF-kB subunit; plus strand). Cytogenetic location: 2p16.1.
Variant type: single nucleotide variant.
Coding change: c.1064A>C on transcript NM_001291746.2 (MANE Select); coding-DNA position 1064, A replaced by C.
Protein change: p.Tyr355Ser; replaces tyrosine 355 with serine.
Molecular consequence: missense variant.
Genome position (GRCh38, 1-based): chr2:60,921,835, A>C. VCF-style: chr2-60921835-A-C. GRCh37 (hg19) VCF-style: chr2-61148970-A-C.
Other names: c.1160A>C, p.Tyr387Ser (NM_002908.4); short protein forms Y387S, Y355S.
Identifiers: ClinVar variation 2181454 (VCV002181454.4), dbSNP rs373394733, ClinGen allele CA347043977.